The following is an entry in ClinVar:

ClinVar aggregate classification (germline): Pathogenic. Review status: criteria provided, multiple submitters, no conflicts (2 of 4 stars). 2 submissions from 2 submitters: Pathogenic (2). Last evaluated 2024-06-12.

Conditions:
LAMA2-related muscular dystrophy (LAMA2-RD). Also called: Laminin alpha 2-related dystrophy. Identifiers: MedGen C5679788, MONDO:0100228.
Merosin deficient congenital muscular dystrophy (MDC1A). Also called: Congenital merosin-deficient muscular dystrophy 1A; Congenital Muscular Dystrophy Type 1A (MDC1A). Identifiers: Orphanet 258, MedGen C1263858, MONDO:0011925, OMIM 607855.

Allele frequency attached by ClinVar (database versions not stated): gnomAD 0.00001; gnomAD exomes 0.00001 and below 0.00001; TOPMed 0.00002.

Submissions (2):

Labcorp Genetics (formerly Invitae), Labcorp
Classification: Pathogenic for LAMA2-related muscular dystrophy. Last evaluated: 2024-06-12. Review status: criteria provided, single submitter. Criteria: Invitae Variant Classification Sherloc (09022015). Collection method: clinical testing. Allele origin: germline.
Comment: This sequence change creates a premature translational stop signal (p.Glu2917Argfs*48) in the LAMA2 gene. It is expected to result in an absent or disrupted protein product. Loss-of-function variants in LAMA2 are known to be pathogenic (PMID: 18700894, 32904964). This variant is present in population databases (no rsID available, gnomAD 0.007%). This premature translational stop signal has been observed in individual(s) with congenital muscular dystrophy (PMID: 29465610). ClinVar contains an entry for this variant (Variation ID: 1070781). For these reasons, this variant has been classified as Pathogenic.

Baylor Genetics
Classification: Pathogenic for Merosin deficient congenital muscular dystrophy. Last evaluated: 2024-02-29. Review status: criteria provided, single submitter. Criteria: ACMG Guidelines, 2015. Collection method: clinical testing. Allele origin: unknown.

Literature cited by the submitters: PubMed 18700894 (cited by Labcorp Genetics (formerly Invitae), Labcorp); PubMed 32904964 (cited by Labcorp Genetics (formerly Invitae), Labcorp); PubMed 29465610 (cited by Labcorp Genetics (formerly Invitae), Labcorp).

NM_000426.4(LAMA2):c.8748del (p.Glu2917fs)

Gene: LAMA2 (laminin subunit alpha 2; plus strand). Cytogenetic location: 6q22.33.
Variant type: Deletion.
Coding change: c.8748del on transcript NM_000426.4 (MANE Select); coding-DNA position 8748, one base deleted (A; older notation c.8748delA).
Protein change: p.Glu2917fs; shifts the reading frame from glutamic acid 2917.
Molecular consequence: frameshift variant.
Genome position (GRCh38, 1-based): chr6:129,507,533, A deleted. VCF-style (leftmost placement, unchanged base first): chr6-129507532-CA-C. GRCh37 (hg19) VCF-style: chr6-129828677-CA-C.
Other names: c.8736del, p.Glu2913fs (NM_001079823.2); short protein forms E2913fs, E2917fs.
Identifiers: ClinVar variation 1070781 (VCV001070781.10), dbSNP rs1345757357, ClinGen allele CA451935894.
Genomic context (GRCh38, chr6:129,507,532, plus strand): 5'-CTGATCTGAATGTTTAGGTGACCTATAGCATTGATGGCTGCGTCAGGAATCTCCACATGG[CA>C]GAGGCCCCTGCCGATCTGGAACAACCCACCTCCAGCTTCCATGTTGGGACATGTTTTGCA-3'